The following is an entry in ClinVar:

NM_005857.5(ZMPSTE24):c.728A>G (p.Lys243Arg)

Gene: ZMPSTE24 (zinc metallopeptidase STE24; plus strand). Cytogenetic location: 1p34.2.
Variant type: single nucleotide variant.
Coding change: c.728A>G on transcript NM_005857.5 (MANE Select); coding-DNA position 728, A replaced by G.
Protein change: p.Lys243Arg; replaces lysine 243 with arginine.
Molecular consequence: missense variant.
Genome position (GRCh38, 1-based): chr1:40,271,994, A>G. VCF-style: chr1-40271994-A-G. GRCh37 (hg19) VCF-style: chr1-40737666-A-G.
Other names: short protein forms K243R.
Identifiers: ClinVar variation 1410973 (VCV001410973.6), dbSNP rs1643618387, ClinGen allele CA339870761.

ClinVar aggregate classification (germline): Uncertain significance (1 of 4 stars; one submission).

Submission:

Labcorp Genetics (formerly Invitae), Labcorp
Classification: Uncertain significance. Last evaluated: 2024-08-12. Review status: criteria provided, single submitter. Criteria: Invitae Variant Classification Sherloc (09022015). Collection method: clinical testing. Allele origin: germline.
Comment: This sequence change replaces lysine with arginine at codon 243 of the ZMPSTE24 protein (p.Lys243Arg). There is a small physicochemical difference between lysine and arginine. This variant is not present in population databases (gnomAD no frequency). This variant has not been reported in the literature in individuals affected with ZMPSTE24-related conditions. ClinVar contains an entry for this variant (Variation ID: 1410973). Advanced modeling of protein sequence and biophysical properties (such as structural, functional, and spatial information, amino acid conservation, physicochemical variation, residue mobility, and thermodynamic stability) performed at Invitae indicates that this missense variant is not expected to disrupt ZMPSTE24 protein function with a negative predictive value of 80%. In summary, the available evidence is currently insufficient to determine the role of this variant in disease. Therefore, it has been classified as a Variant of Uncertain Significance.